The following is an entry in ClinVar:

ClinVar aggregate classification (germline): Uncertain significance (1 of 4 stars; one submission).

Submission:

Labcorp Genetics (formerly Invitae), Labcorp
Classification: Uncertain significance. Last evaluated: 2022-07-31. Review status: criteria provided, single submitter. Criteria: Invitae Variant Classification Sherloc (09022015). Collection method: clinical testing. Allele origin: germline.
Comment: This sequence change replaces leucine, which is neutral and non-polar, with proline, which is neutral and non-polar, at codon 3012 of the HMCN1 protein (p.Leu3012Pro). This variant is not present in population databases (gnomAD no frequency). This variant has not been reported in the literature in individuals affected with HMCN1-related conditions. Algorithms developed to predict the effect of missense changes on protein structure and function (SIFT, PolyPhen-2, Align-GVGD) all suggest that this variant is likely to be disruptive. In summary, the available evidence is currently insufficient to determine the role of this variant in disease. Therefore, it has been classified as a Variant of Uncertain Significance.

NM_031935.3(HMCN1):c.9035T>C (p.Leu3012Pro)

Gene: HMCN1 (hemicentin 1; plus strand). Cytogenetic location: 1q31.1.
Variant type: single nucleotide variant.
Coding change: c.9035T>C on transcript NM_031935.3 (MANE Select); coding-DNA position 9035, T replaced by C.
Protein change: p.Leu3012Pro; replaces leucine 3012 with proline.
Molecular consequence: missense variant.
Genome position (GRCh38, 1-based): chr1:186,086,396, T>C. VCF-style: chr1-186086396-T-C. GRCh37 (hg19) VCF-style: chr1-186055528-T-C.
Other names: short protein forms L3012P.
Identifiers: ClinVar variation 1714646 (VCV001714646.5), dbSNP rs2527885680, ClinGen allele CA343917960.